The following is an entry in ClinVar:

NM_000051.4(ATM):c.1A>G (p.Met1Val)

Gene: ATM (ATM serine/threonine kinase; plus strand). Cytogenetic location: 11q22.3.
Variant type: single nucleotide variant.
Coding change: c.1A>G on transcript NM_000051.4 (MANE Select); coding-DNA position 1, A replaced by G.
Protein change: p.Met1Val; changes the start codon (methionine 1).
Molecular consequence: missense variant, initiator codon variant.
Genome position (GRCh38, 1-based): chr11:108,227,625, A>G. VCF-style: chr11-108227625-A-G. GRCh37 (hg19) VCF-style: chr11-108098352-A-G.
Other names: c.1A>G, p.Met1Val (NM_001351834.2, NM_001351835.2, NM_001351836.2); short protein forms M1V.
Identifiers: ClinVar variation 181942 (VCV000181942.58), dbSNP rs730881359, ClinGen allele CA298204.
Genomic context (GRCh38, chr11:108,227,625, plus strand): 5'-TATATATACCTATATGTATTTTTTTTACAGACAGTGATGTGTGTTCTGAAATTGTGAACC[A>G]TGAGTCTAGTACTTAATGATCTGCTTATCTGCTGCCGTCAACTAGAACATGATAGAGCTA-3'
Protein context (NP_000042.3, residues 1-11): [Met1Val]SLVLNDLLIC

ClinVar aggregate classification (germline): Pathogenic/Likely pathogenic. Review status: criteria provided, multiple submitters, no conflicts (2 of 4 stars). 10 submissions from 10 submitters: Pathogenic (6); Likely pathogenic (1). 3 of the submissions do not count toward it. Last evaluated 2025-06-18.

Conditions:
Familial cancer of breast. Also called: hereditary breast carcinoma; BREAST CANCER, FAMILIAL; Hereditary breast cancer. Identifiers: Orphanet 227535, MedGen C0346153, MONDO:0016419, OMIM 114480. Disease mechanism: loss of function.
Ataxia-telangiectasia syndrome (AT). Also called: ATAXIA-TELANGIECTASIA, COMPLEMENTATION GROUP A; ATAXIA-TELANGIECTASIA, FRESNO VARIANT; Ataxia-telangiectasia; Ataxia-telangiectasia, complementation group E; Cerebello-oculocutaneous telangiectasia; Immunodeficiency with ataxia telangiectasia. Identifiers: Orphanet 100, MedGen C0004135, MONDO:0008840, OMIM 208900.
Familial pancreatic carcinoma. Identifiers: Orphanet 1333, MedGen C2931038, MONDO:0015278, OMIM 260350.
Hereditary cancer-predisposing syndrome. Also called: Hereditary Cancer Syndrome; Tumor predisposition; Neoplastic Syndromes, Hereditary; Hereditary neoplastic syndrome. Identifiers: Orphanet 140162, MedGen C0027672, MeSH D009386, MONDO:0015356.

Submissions (10):

Labcorp Genetics (formerly Invitae), Labcorp
Classification: Pathogenic for Ataxia-telangiectasia syndrome. Last evaluated: 2025-06-18. Review status: criteria provided, single submitter. Criteria: Invitae Variant Classification Sherloc (09022015). Collection method: clinical testing. Allele origin: germline.
Comment: This sequence change affects the initiator codon of the ATM mRNA. This change may impact translation initiation or efficiency. The next in-frame methionine is located at codon 94. This variant is not present in population databases (gnomAD no frequency). Disruption of the initiator codon has been observed in individuals with ataxia-telangiectasia (PMID: 9463314, 12552559, 21665257, 21792198, 22146522, 22649200). ClinVar contains an entry for this variant (Variation ID: 181942). For these reasons, this variant has been classified as Pathogenic.

Quest Diagnostics Nichols Institute San Juan Capistrano
Classification: Pathogenic. Last evaluated: 2025-04-29. Review status: criteria provided, single submitter. Criteria: Quest Diagnostics criteria. Collection method: clinical testing. Allele origin: unknown.
Comment: The ATM c.1A>G variant disrupts the translation initiation codon of the ATM mRNA and is predicted to interfere with ATM protein synthesis. This variant has been reported in the published literature in individuals with ataxia-telangiectasia (PMID: 21665257 (2011), 21792198 (2011), 22146522 (2012)), breast cancer (PMID: 38355628 (2024)), and endometrial cancer (PMID: 36744932 (2023)). This variant has not been reported in large, multi-ethnic general populations (Genome Aggregation Database). Based on the available information, this variant is classified as pathogenic.

Ambry Genetics
Classification: Pathogenic for Hereditary cancer-predisposing syndrome. Last evaluated: 2025-03-04. Review status: criteria provided, single submitter. Criteria: Ambry Variant Classification Scheme 2023. Collection method: clinical testing. Allele origin: germline.
Comment: The p.M1? pathogenic mutation (also known as c.1A>G), located in coding exon 1 of the ATM gene, results from a A to G substitution at nucleotide position 1. This alters the methionine residue at the initiation codon (ATG). This alteration and several others affecting the initiation codon in ATM have been reported in individuals with ovarian cancer, breast cancer, and prostate cancer (Crawford B et al. Breast Cancer Res. Treat., 2017 Jun;163:383-390; Carter NJ et al. Gynecol. Oncol., 2018 12;151(3):481-488; Zafeiriou Z et al. Eur. Urol., 2019 01;75(1):184-192; Decker B at al. J. Med. Genet., 2017 11;54(11):732-741). Initiation codon alterations, including this alteration have also been reported in a compound heterozygous state in multiple patients with ataxia telangiectasia (Gilad S et al. Hum. Mol. Genet., 1996 Apr;5:433-9; Stankovic T et al. Am. J. Hum. Genet., 1998 Feb;62(2):334-45; Buzin CH et al. Hum. Mutat., 2003 Feb;21:123-31; Reiman A et al. Br. J. Cancer, 2011 Aug;105(4):586-91; Byrd PJ et al. Br. J. Cancer, 2012 Jan;106:262-8; Schon et al. Ann. Neurol., 2019 02;85(2):170-180). This variant is considered to be rare based on population cohorts in the Genome Aggregation Database (gnomAD). In addition to the clinical data presented in the literature, sequence variations that modify the initiation codon are expected to result in either loss of translation initiation, N-terminal truncation, or cause a shift in the mRNA reading frame. Based on the supporting evidence, this alteration is interpreted as a disease-causing mutation.

Fulgent Genetics
Classification: Pathogenic for Familial cancer of breast; Ataxia-telangiectasia syndrome. Last evaluated: 2024-05-24. Review status: criteria provided, single submitter. Criteria: ACMG Guidelines, 2015. Collection method: clinical testing. Allele origin: germline.

Color Diagnostics, LLC DBA Color Health
Classification: Pathogenic for Hereditary cancer-predisposing syndrome. Last evaluated: 2023-05-22. Review status: criteria provided, single submitter. Criteria: ACMG Guidelines, 2015. Collection method: clinical testing. Allele origin: germline.
Comment: This variant results in the loss of the translation start codon (methionine at codon 1) of the ATM gene. This variant is expected to disrupt the expression of the full-length ATM protein. The next in-frame methionine occurs at codon 94, but it has not been shown if a functional ATM protein product can be produced using p.Met94 as an alternative translation start site. This variant has been reported in trans with p.Gly2891Asp variant in an individual affected with breast cancer and mild ataxia-telangiectasia (PMID: 22146522). Cells derived from this patient showed 10-20% of kinase activity compared to normal cells. A functional study has shown that the cells transfected with this variant construct show a very low level expression of a truncated protein, probably due to the use of a downstream methionine for translation initiation (PMID: 22146522). This variant has not been identified in the general population by the Genome Aggregation Database (gnomAD). A different translation initiation codon loss variant (ATM c.2T>C / p.Met1?) is a well documented pathogenic variant (Clinvar variation ID: 187213). Based on the available evidence, this variant is classified as Pathogenic.

Myriad Genetics, Inc.
Classification: Pathogenic for Familial cancer of breast. Last evaluated: 2023-02-03. Review status: criteria provided, single submitter. Criteria: Myriad Autosomal Dominant, Autosomal Recessive and X-Linked Classification Criteria (2023). Collection method: clinical testing. Allele origin: unknown.
Comment: This variant is considered pathogenic. This variant is located within the gene translation start codon (p.Met1?) and is predicted to result in abnormal protein translation. This variant has been reported in multiple individuals with clinical features of gene-specific disease [PMID: 21665257, 9463314, 21792198, 12552559, 22649200, 22146522, 30549301].

CeGaT Center for Human Genetics Tuebingen
Classification: Likely pathogenic. Last evaluated: 2019-10-01. Review status: criteria provided, single submitter. Criteria: CeGaT Center For Human Genetics Tuebingen Variant Classification Criteria Version 2. Collection method: clinical testing. Allele origin: germline. Affected: yes. Observed: 1 variant allele.

Counsyl
Classification: Likely pathogenic for Ataxia-telangiectasia syndrome. Last evaluated: 2016-11-29. Review status: no assertion criteria provided. Collection method: clinical testing. Allele origin: unknown. Not counted in ClinVar's aggregate classification.

Department of Pathology and Laboratory Medicine, Sinai Health System
Classification: Pathogenic for Familial pancreatic carcinoma. Review status: no assertion criteria provided. Collection method: clinical testing. Allele origin: unknown. Affected: yes. Observed: 1 variant allele. Study: The Canadian Open Genetics Repository (COGR). Not counted in ClinVar's aggregate classification.
Comment: The ATM c.1A>G variant was identified in the literature however the frequency of this variant in an affected population was not provided. The variant was also identified in dbSNP (ID: rs730881359) as â€šÃ„ÃºWith Pathogenic, otherâ€šÃ„Ã¹ allele ,ClinVar (classified as pathogenic by GeneReviews and as likely pathogenic by Counsyl).The variant was not identified in the LOVD 3.0 database. The variant was not identified in the following control databases: the Exome Aggregation Consortium (August 8th 2016), or the Genome Aggregation Database (Feb 27, 2017). The c.1A>G variant occurs in the first base of the translation initiation site (the methionine amino acid start site), increasing the likelihood this variant may disrupt translation or lead to an abnormal protein product. The variant was observed in a breast cancer patient with severe reaction to radiotherapy who was found to have 2 ATM mutations: c.1A>G and c.8672G>A (Byrd, 2012). The mutations were found to be on different alleles, and the c.8762G>A allele's resulting mutant protein was expressed and shown to have some residual ATM kinase activity in lymphoblastoid and skin fibroblast cell lines. The c.1A>G variant was hypothesized to ablate the initiation of ATM protein translation entirely but the possibility of the expression of ATM protein if the GUG of the RNA were able to allow translation could not be ruled out. The possibility that initiation from a downstream methionine resulting in a truncated protein was also considered. The c.1A>G mutation was modelled individually by site-directed mutagenesis of full-length normal ATM cDNA. Very low protein levels were observed and the molecular weight was lower that wild type protein, and the kinase level or the resulting protein was too low to be measured in this assay. These observations were consistent with a second patient with a different mutation of the initiation codon. In summary, based on the above information this variant meets our laboratoryâ€šÃ„Ã´s criteria to be classified as pathogenic.

GeneReviews
No classification provided. Condition: Ataxia-telangiectasia syndrome. Review status: no classification provided. Collection method: literature only. Allele origin: germline. Affected: yes. Not counted in ClinVar's aggregate classification.

Literature cited by the submitters: PubMed 9463314 (cited by Labcorp Genetics (formerly Invitae), Labcorp and Myriad Genetics, Inc.); PubMed 12552559 (cited by Labcorp Genetics (formerly Invitae), Labcorp and Myriad Genetics, Inc.); PubMed 21665257 (cited by 3 submitters); PubMed 21792198 (cited by Labcorp Genetics (formerly Invitae), Labcorp and Myriad Genetics, Inc.); PubMed 22146522 (cited by 4 submitters); PubMed 22649200 (cited by Labcorp Genetics (formerly Invitae), Labcorp and Myriad Genetics, Inc.); PubMed 30549301 (cited by Myriad Genetics, Inc.); NCBI Bookshelf NBK26468 (cited by GeneReviews).